The following is an entry in ClinVar:

ClinVar aggregate classification (germline): Uncertain significance (1 of 4 stars; one submission).

Conditions:
Cardiovascular phenotype. Identifiers: MedGen CN230736.

Submission:

Ambry Genetics
Classification: Uncertain significance for Cardiovascular phenotype. Last evaluated: 2025-05-27. Review status: criteria provided, single submitter. Criteria: Ambry Variant Classification Scheme 2023. Collection method: clinical testing. Allele origin: germline.
Comment: The p.N233K variant (also known as c.699C>A), located in coding exon 3 of the DES gene, results from a C to A substitution at nucleotide position 699. The asparagine at codon 233 is replaced by lysine, an amino acid with similar properties. This amino acid position is conserved. In addition, this alteration is predicted to be tolerated by in silico analysis. Based on the available evidence, the clinical significance of this variant remains unclear.

NM_001927.4(DES):c.699C>A (p.Asn233Lys)

Gene: DES (desmin; plus strand). Cytogenetic location: 2q35.
Variant type: single nucleotide variant.
Coding change: c.699C>A on transcript NM_001927.4 (MANE Select); coding-DNA position 699, C replaced by A.
Protein change: p.Asn233Lys; replaces asparagine 233 with lysine.
Molecular consequence: missense variant. On other transcripts: intron variant (1).
Genome position (GRCh38, 1-based): chr2:219,420,310, C>A. VCF-style: chr2-219420310-C-A. GRCh37 (hg19) VCF-style: chr2-220285032-C-A.
Other names: c.696C>A, p.Asn232Lys (NM_001382708.1); c.699C>A, p.Asn233Lys (NM_001382709.1, NM_001382710.1, NM_001382711.1 and 1 more transcripts); c.496-215C>A (NM_001382713.1); short protein forms N232K, N233K.
Identifiers: ClinVar variation 4011016 (VCV004011016.1).